The following is an entry in ClinVar:

ClinVar aggregate classification (germline): Uncertain significance. Review status: criteria provided, multiple submitters, no conflicts (2 of 4 stars). 2 submissions from 2 submitters: Uncertain significance (2). Last evaluated 2022-08-20.

Conditions:
Peroxisome biogenesis disorder 12A (Zellweger). Also called: Peroxisome biogenesis disorder 12A. Identifiers: Orphanet 912, MedGen C3554002, MONDO:0013951, OMIM 614886.

Allele frequency attached by ClinVar (database versions not stated): ExAC 0.00001; gnomAD exomes 0.00001; TOPMed 0.00001; gnomAD 0.00003; ESP Exome Variant Server 0.00008.

Submissions (2):

Labcorp Genetics (formerly Invitae), Labcorp
Classification: Uncertain significance for Peroxisome biogenesis disorder 12A (Zellweger). Last evaluated: 2022-08-20. Review status: criteria provided, single submitter. Criteria: Invitae Variant Classification Sherloc (09022015). Collection method: clinical testing. Allele origin: germline.
Comment: This sequence change replaces glutamic acid, which is acidic and polar, with lysine, which is basic and polar, at codon 164 of the PEX19 protein (p.Glu164Lys). This variant is present in population databases (rs370126224, gnomAD 0.003%). This variant has not been reported in the literature in individuals affected with PEX19-related conditions. ClinVar contains an entry for this variant (Variation ID: 286428). Algorithms developed to predict the effect of missense changes on protein structure and function are either unavailable or do not agree on the potential impact of this missense change (SIFT: "Tolerated"; PolyPhen-2: "Possibly Damaging"; Align-GVGD: "Class C0"). In summary, the available evidence is currently insufficient to determine the role of this variant in disease. Therefore, it has been classified as a Variant of Uncertain Significance.

Eurofins Ntd Llc (ga)
Classification: Uncertain significance. Last evaluated: 2016-02-29. Review status: criteria provided, single submitter. Criteria: EGL Classification Definitions 2015. Collection method: clinical testing. Allele origin: germline. Observed: 1 variant allele, 1 heterozygote.

NM_002857.4(PEX19):c.490G>A (p.Glu164Lys)

Gene: PEX19 (peroxisomal biogenesis factor 19; minus strand). Cytogenetic location: 1q23.2.
Variant type: single nucleotide variant.
Coding change: c.490G>A on transcript NM_002857.4 (MANE Select); coding-DNA position 490, G replaced by A.
Protein change: p.Glu164Lys; replaces glutamic acid 164 with lysine.
Molecular consequence: missense variant. On other transcripts: non-coding transcript variant (2).
Genome position (GRCh38, 1-based): chr1:160,282,143, C>T on the plus strand (G>A on the coding strand, the complement: PEX19 is on the minus strand). VCF-style: chr1-160282143-C-T. GRCh37 (hg19) VCF-style: chr1-160251933-C-T.
Other names: c.490G>A, p.Glu164Lys (NM_001193644.1); short protein forms E164K.
Identifiers: ClinVar variation 286428 (VCV000286428.7), dbSNP rs370126224, ClinGen allele CA1197339.
Genomic context (GRCh38, chr1:160,282,143, plus strand): 5'-AGAGTAGGTTCTGCATAATACTCTGCATGATGGGGAGGATGTTCCCTTCCCCATCCCCTT[C>T]GTCCATGCCTAGCCCCTCCATGGCCTTGGTCAGCTCTTCTTCCGACATGCTGGAGTTCTA-3'
Protein context (NP_002848.1, residues 154-174): TKAMEGLGMD[Glu164Lys]GDGEGNILPI